The following is an entry in ClinVar:

ClinVar aggregate classification (germline): Uncertain significance (1 of 4 stars; one submission).

Conditions:
Cohen syndrome (COH1). Also called: PEPPER SYNDROME; Cutis verticis gyrata, retinitis pigmentosa, and sensorineural deafness. Identifiers: Orphanet 193, MedGen C0265223, MONDO:0008999, OMIM 216550.

gnomAD v4.1: 1 of 1,614,076 alleles (0.000062%); highest among the groups gnomAD compares: Non-Finnish European, 0.000085%; no homozygotes.

Submission:

Labcorp Genetics (formerly Invitae), Labcorp
Classification: Uncertain significance for Cohen syndrome. Last evaluated: 2022-08-22. Review status: criteria provided, single submitter. Criteria: Invitae Variant Classification Sherloc (09022015). Collection method: clinical testing. Allele origin: germline.
Comment: Algorithms developed to predict the effect of missense changes on protein structure and function are either unavailable or do not agree on the potential impact of this missense change (SIFT: "Not Available"; PolyPhen-2: "Benign"; Align-GVGD: "Not Available"). In summary, the available evidence is currently insufficient to determine the role of this variant in disease. Therefore, it has been classified as a Variant of Uncertain Significance. This variant has not been reported in the literature in individuals affected with VPS13B-related conditions. This variant is present in population databases (no rsID available, gnomAD no frequency). This sequence change replaces cysteine, which is neutral and slightly polar, with glycine, which is neutral and non-polar, at codon 3978 of the VPS13B protein (p.Cys3978Gly).

NM_152564.5(VPS13B):c.11857T>G (p.Cys3953Gly)

Gene: VPS13B (vacuolar protein sorting 13 homolog B; plus strand). Cytogenetic location: 8q22.2.
Variant type: single nucleotide variant.
Coding change: c.11857T>G on transcript NM_152564.5 (MANE Select); coding-DNA position 11857, T replaced by G.
Protein change: p.Cys3953Gly; replaces cysteine 3953 with glycine.
Molecular consequence: missense variant.
Genome position (GRCh38, 1-based): chr8:99,875,529, T>G. VCF-style: chr8-99875529-T-G. GRCh37 (hg19) VCF-style: chr8-100887757-T-G.
Other names: c.11932T>G, p.Cys3978Gly (NM_017890.5); short protein forms C3953G, C3978G.
Identifiers: ClinVar variation 1717644 (VCV001717644.5), dbSNP rs1161942735, ClinGen allele CA371795772.